The following is an entry in ClinVar:

NM_000256.3(MYBPC3):c.558G>A (p.Pro186=)

Gene: MYBPC3 (myosin binding protein C3; minus strand). Cytogenetic location: 11p11.2.
Variant type: single nucleotide variant.
Coding change: c.558G>A on transcript NM_000256.3 (MANE Select); coding-DNA position 558, G replaced by A.
Protein change: p.Pro186=; no amino-acid change (proline 186 retained).
Molecular consequence: synonymous variant.
Genome position (GRCh38, 1-based): chr11:47,349,870, C>T on the plus strand (G>A on the coding strand, the complement: MYBPC3 is on the minus strand). VCF-style: chr11-47349870-C-T. GRCh37 (hg19) VCF-style: chr11-47371421-C-T.
Other names: c.558G>A, p.Pro186= (LRG_386t1).
Identifiers: ClinVar variation 525129 (VCV000525129.18), dbSNP rs370962887, ClinGen allele CA056034.

ClinVar aggregate classification (germline): Likely benign. Review status: criteria provided, multiple submitters, no conflicts (2 of 4 stars). 5 submissions from 5 submitters: Likely benign (5). Last evaluated 2025-12-29.

Conditions:
Cardiovascular phenotype. Identifiers: MedGen CN230736.
Cardiomyopathy (CMYO). Also called: Cardiomyopathies. Identifiers: Orphanet 167848, MedGen C0878544, MONDO:0004994, HP:0001638. Inheritance: Various modes of inheritance.
Hypertrophic cardiomyopathy. Also called: HYPERTROPHIC MYOCARDIOPATHY. Identifiers: Orphanet 217569, MedGen C0007194, MeSH D002312, MONDO:0005045, HP:0001639.

Allele frequency attached by ClinVar (database versions not stated): gnomAD 0.00003; TOPMed 0.00003; ESP Exome Variant Server 0.00008; 1000 Genomes Project 30x 0.00016.
gnomAD v4.1: 31 of 1,612,296 alleles (0.0019%); highest among the groups gnomAD compares: East Asian, 0.018%; no homozygotes.

Submissions (5):

Labcorp Genetics (formerly Invitae), Labcorp
Classification: Likely benign for Hypertrophic cardiomyopathy. Last evaluated: 2025-12-29. Review status: criteria provided, single submitter. Criteria: Invitae Variant Classification Sherloc (09022015). Collection method: clinical testing. Allele origin: germline.

Blueprint Genetics
Classification: Likely benign. Last evaluated: 2024-02-07. Review status: criteria provided, single submitter. Criteria: ACMG Guidelines, 2015. Collection method: clinical testing. Allele origin: germline.

All of Us Research Program, National Institutes of Health
Classification: Likely benign for Hypertrophic cardiomyopathy. Last evaluated: 2024-01-11. Review status: criteria provided, single submitter. Criteria: ACMG Guidelines, 2015. Collection method: clinical testing. Allele origin: germline. Inheritance: Autosomal dominant inheritance. Observed: 8 variant alleles, 8 heterozygotes.
Comment: This study involves interpretation of variants in research participants for the purpose of population health screening. Participant phenotype was not available at the time of variant classification. Additional details can be found in publication PMID: 35346344, PMCID: PMC8962531

Ambry Genetics
Classification: Likely benign for Cardiovascular phenotype. Last evaluated: 2021-05-14. Review status: criteria provided, single submitter. Criteria: Ambry Variant Classification Scheme 2023. Collection method: clinical testing. Allele origin: germline.

Color Diagnostics, LLC DBA Color Health
Classification: Likely benign for Cardiomyopathy. Last evaluated: 2019-01-07. Review status: criteria provided, single submitter. Criteria: ACMG Guidelines, 2015. Collection method: clinical testing. Allele origin: germline.